The following is an entry in ClinVar:

ClinVar aggregate classification (germline): Likely benign. Review status: criteria provided, multiple submitters, no conflicts (2 of 4 stars). 2 submissions from 2 submitters: Likely benign (2). Last evaluated 2025-05-12.

Conditions:
Tuberous sclerosis 2 (TSC2). Identifiers: Orphanet 805, MedGen C1860707, MONDO:0013199, OMIM 613254.

Submissions (2):

Myriad Genetics, Inc.
Classification: Likely benign for Tuberous sclerosis 2. Last evaluated: 2025-05-12. Review status: criteria provided, single submitter. Criteria: Myriad Autosomal Dominant, Autosomal Recessive and X-Linked Classification Criteria (2023). Collection method: clinical testing. Allele origin: unknown.
Comment: This variant is considered likely benign. This variant is intronic and is not expected to impact mRNA splicing.

Labcorp Genetics (formerly Invitae), Labcorp
Classification: Likely benign for Tuberous sclerosis 2. Last evaluated: 2020-07-09. Review status: criteria provided, single submitter. Criteria: Invitae Variant Classification Sherloc (09022015). Collection method: clinical testing. Allele origin: germline.

NM_000548.5(TSC2):c.975+8G>T

Gene: TSC2 (TSC complex subunit 2; plus strand). Cytogenetic location: 16p13.3.
Variant type: single nucleotide variant.
Coding change: c.975+8G>T on transcript NM_000548.5 (MANE Select); 8 bases into the intron after coding-DNA position 975, G replaced by T.
Molecular consequence: intron variant.
Genome position (GRCh38, 1-based): chr16:2,058,881, G>T. VCF-style: chr16-2058881-G-T. GRCh37 (hg19) VCF-style: chr16-2108882-G-T.
Other names: c.975+8G>T (NM_001114382.3, NM_021055.3, NM_001370405.1 and 3 more transcripts); c.864+8G>T (NM_001318827.2); c.375+8G>T (NM_001318831.2); c.828+8G>T (NM_001318829.2); c.1008+8G>T (NM_001318832.2).
Identifiers: ClinVar variation 1109107 (VCV001109107.10), dbSNP rs137853984, ClinGen allele CA2499223273.